The following is an entry in ClinVar:

ClinVar aggregate classification (germline): Pathogenic (1 of 4 stars; one submission).

Conditions:
Neurofibromatosis, type 1 (NF1). Also called: Peripheral type neurofibromatosis; VON RECKLINGHAUSEN DISEASE; NEUROFIBROMATOSIS, TYPE I, SOMATIC; Neurofibromatosis, type I. Identifiers: Orphanet 636, MedGen C0027831, MONDO:0018975, OMIM 162200. Disease mechanism: loss of function.

Submission:

Labcorp Genetics (formerly Invitae), Labcorp
Classification: Pathogenic for Neurofibromatosis, type 1. Last evaluated: 2024-06-19. Review status: criteria provided, single submitter. Criteria: Invitae Variant Classification Sherloc (09022015). Collection method: clinical testing. Allele origin: germline.
Comment: This sequence change creates a premature translational stop signal (p.Ile2270Glnfs*2) in the NF1 gene. It is expected to result in an absent or disrupted protein product. Loss-of-function variants in NF1 are known to be pathogenic (PMID: 10712197, 23913538). This variant is not present in population databases (gnomAD no frequency). This variant has not been reported in the literature in individuals affected with NF1-related conditions. Algorithms developed to predict the effect of sequence changes on RNA splicing suggest that this variant may disrupt the consensus splice site. For these reasons, this variant has been classified as Pathogenic.

Literature cited by the submitters: PubMed 10712197; PubMed 23913538.

NM_001042492.3(NF1):c.6870_6879del (p.Ile2291fs)

Gene: NF1 (neurofibromin 1; plus strand). Cytogenetic location: 17q11.2.
Variant type: Deletion.
Coding change: c.6870_6879del on transcript NM_001042492.3 (MANE Select); coding-DNA positions 6870 to 6879, 10 bases deleted (GATAGAAGCT; older notation c.6870_6879delGATAGAAGCT).
Protein change: p.Ile2291fs; shifts the reading frame from isoleucine 2291.
Molecular consequence: frameshift variant.
Genome position (GRCh38, 1-based): chr17:31,338,754-31,338,763, GATAGAAGCT deleted; deleting any 10 consecutive bases within chr17:31,338,752-31,338,763 gives the same sequence; the c. name uses the placement nearest the transcript's 3' end. VCF-style (leftmost placement, unchanged base first): chr17-31338751-TCTGATAGAAG-T. GRCh37 (hg19) VCF-style: chr17-29665769-TCTGATAGAAG-T.
Other names: c.6807_6816delGATAGAAGCT, p.Ile2270Glnfs (NM_000267.4); short protein forms I2270fs, I2291fs.
Identifiers: ClinVar variation 3657017 (VCV003657017.2).